The following is an entry in ClinVar:

NM_002354.3(EPCAM):c.135A>G (p.Gln45=)

Gene: EPCAM (epithelial cell adhesion molecule; plus strand). Cytogenetic location: 2p21.
Variant type: single nucleotide variant.
Coding change: c.135A>G on transcript NM_002354.3 (MANE Select); coding-DNA position 135, A replaced by G.
Protein change: p.Gln45=; no amino-acid change (glutamine 45 retained).
Molecular consequence: synonymous variant.
Genome position (GRCh38, 1-based): chr2:47,373,521, A>G. VCF-style: chr2-47373521-A-G. GRCh37 (hg19) VCF-style: chr2-47600660-A-G.
Identifiers: ClinVar variation 215499 (VCV000215499.21), dbSNP rs72882770, ClinGen allele CA337072.

ClinVar aggregate classification (germline): Benign/Likely benign. Review status: criteria provided, multiple submitters, no conflicts (2 of 4 stars). 8 submissions from 8 submitters: Benign (5); Likely benign (3). Last evaluated 2026-04-01.

Conditions:
Hereditary cancer-predisposing syndrome. Also called: Tumor predisposition; Neoplastic Syndromes, Hereditary; Hereditary Cancer Syndrome; Hereditary neoplastic syndrome. Identifiers: Orphanet 140162, MedGen C0027672, MeSH D009386, MONDO:0015356.
Lynch syndrome 8 (LYNCH8). Also called: Colorectal cancer, hereditary nonpolyposis, type 8. Identifiers: Orphanet 144, MedGen C2750471, MONDO:0013196, OMIM 613244.

Allele frequency attached by ClinVar (database versions not stated): ExAC 0.00109; gnomAD 0.00280 and 0.00298; ESP Exome Variant Server 0.00323; TOPMed 0.00345; 1000 Genomes Project 0.00459; 1000 Genomes Project 30x 0.00609.
gnomAD v4.1: 902 of 1,613,962 alleles (0.056%); highest among the groups gnomAD compares: African/African-American, 0.94%; 7 homozygotes.

Submissions (8):

CeGaT Center for Human Genetics Tuebingen
Classification: Likely benign. Last evaluated: 2026-04-01. Review status: criteria provided, single submitter. Criteria: CeGaT Center For Human Genetics Tuebingen Variant Classification Criteria Version 2. Collection method: clinical testing. Allele origin: germline. Affected: yes. Observed: 1 variant allele.
Comment: EPCAM: BP4, BP7

Labcorp Genetics (formerly Invitae), Labcorp
Classification: Benign. Last evaluated: 2025-07-14. Review status: criteria provided, single submitter. Criteria: Invitae Variant Classification Sherloc (09022015). Collection method: clinical testing. Allele origin: germline.

Blueprint Genetics
Classification: Likely benign. Last evaluated: 2024-11-15. Review status: criteria provided, single submitter. Criteria: ACMG Guidelines, 2015. Collection method: clinical testing. Allele origin: germline.

KCCC/NGS Laboratory, Kuwait Cancer Control Center
Classification: Benign for Lynch syndrome 8. Last evaluated: 2023-07-07. Review status: criteria provided, single submitter. Criteria: ACMG Guidelines, 2015. Collection method: clinical testing. Allele origin: germline. Affected: yes.

Ambry Genetics
Classification: Likely benign for Hereditary cancer-predisposing syndrome. Last evaluated: 2022-02-12. Review status: criteria provided, single submitter. Criteria: Ambry Variant Classification Scheme 2023. Collection method: clinical testing. Allele origin: germline.

Genetic Services Laboratory, University of Chicago
Classification: Benign. Last evaluated: 2018-12-04. Review status: criteria provided, single submitter. Criteria: ACMG Guidelines, 2015. Collection method: clinical testing. Allele origin: germline. Affected: no.

PreventionGenetics, part of Exact Sciences
Classification: Benign. Last evaluated: 2017-07-06. Review status: criteria provided, single submitter. Criteria: ACMG Guidelines, 2015. Collection method: clinical testing. Allele origin: germline.

Breakthrough Genomics
Classification: Benign. Review status: criteria provided, single submitter. Criteria: ACMG Guidelines, 2015. Collection method: not provided. Allele origin: germline. Inheritance: Autosomal recessive inheritance. Affected: yes.